The following is an entry in ClinVar:

NM_004304.5(ALK):c.2835C>T (p.Asn945=)

Gene: ALK (ALK receptor tyrosine kinase; minus strand). Cytogenetic location: 2p23.2.
Variant type: single nucleotide variant.
Coding change: c.2835C>T on transcript NM_004304.5 (MANE Select); coding-DNA position 2835, C replaced by T.
Protein change: p.Asn945=; no amino-acid change (asparagine 945 retained).
Molecular consequence: synonymous variant.
Genome position (GRCh38, 1-based): chr2:29,227,653, G>A on the plus strand (C>T on the coding strand, the complement: ALK is on the minus strand). VCF-style: chr2-29227653-G-A. GRCh37 (hg19) VCF-style: chr2-29450519-G-A.
Identifiers: ClinVar variation 4869556 (VCV004869556.1).

ClinVar aggregate classification (germline): Uncertain significance (1 of 4 stars; one submission).

Conditions:
Hereditary cancer-predisposing syndrome. Also called: Neoplastic Syndromes, Hereditary; Tumor predisposition; Hereditary Cancer Syndrome; Hereditary neoplastic syndrome. Identifiers: Orphanet 140162, MedGen C0027672, MeSH D009386, MONDO:0015356.

gnomAD v4.1: 1 of 1,613,856 alleles (0.000062%); highest among the groups gnomAD compares: African/African-American, 0.0013%; no homozygotes.

Submission:

Ambry Genetics
Classification: Uncertain significance for Hereditary cancer-predisposing syndrome. Last evaluated: 2026-03-17. Review status: criteria provided, single submitter. Criteria: Ambry Variant Classification Scheme 2023. Collection method: clinical testing. Allele origin: germline.
Comment: The c.2835C>T variant (also known as p.N945N), located in coding exon 17 of the ALK gene, results from a C to T substitution at nucleotide position 2835. This nucleotide substitution does not change the amino acid at codon 945. This nucleotide position is not well conserved in available vertebrate species. In silico splice site analysis for this alteration is inconclusive. Based on the available evidence, the clinical significance of this variant remains unclear.